The following is an entry in ClinVar:

ClinVar aggregate classification (germline): Uncertain significance (1 of 4 stars; one submission).

Conditions:
Hereditary cancer-predisposing syndrome. Also called: Tumor predisposition; Hereditary Cancer Syndrome; Neoplastic Syndromes, Hereditary; Hereditary neoplastic syndrome. Identifiers: Orphanet 140162, MedGen C0027672, MeSH D009386, MONDO:0015356.

Allele frequency attached by ClinVar (database versions not stated): gnomAD exomes below 0.00001.
gnomAD v4.1: 1 of 1,614,170 alleles (0.000062%); highest among the groups gnomAD compares: Non-Finnish European, 0.000085%; no homozygotes.

Submission:

Ambry Genetics
Classification: Uncertain significance for Hereditary cancer-predisposing syndrome. Last evaluated: 2019-08-16. Review status: criteria provided, single submitter. Criteria: Ambry Variant Classification Scheme 2023. Collection method: clinical testing. Allele origin: germline.
Comment: The p.M283I variant (also known as c.849G>A), located in coding exon 7 of the SMARCB1 gene, results from a G to A substitution at nucleotide position 849. The methionine at codon 283 is replaced by isoleucine, an amino acid with highly similar properties. This amino acid position is highly conserved in available vertebrate species. In addition, this alteration is predicted to be deleterious by in silico analysis. Since supporting evidence is limited at this time, the clinical significance of this alteration remains unclear.

NM_003073.5(SMARCB1):c.849G>A (p.Met283Ile)

Gene: SMARCB1 (SWI/SNF related BAF chromatin remodeling complex subunit B1; plus strand). Cytogenetic location: 22q11.23.
Variant type: single nucleotide variant.
Coding change: c.849G>A on transcript NM_003073.5 (MANE Select); coding-DNA position 849, G replaced by A.
Protein change: p.Met283Ile; replaces methionine 283 with isoleucine.
Molecular consequence: missense variant.
Genome position (GRCh38, 1-based): chr22:23,825,278, G>A. VCF-style: chr22-23825278-G-A. GRCh37 (hg19) VCF-style: chr22-24167465-G-A.
Other names: c.822G>A, p.Met274Ile (NM_001007468.3); c.876G>A, p.Met292Ile (NM_001317946.2); c.903G>A, p.Met301Ile (NM_001362877.2); short protein forms M301I, M274I, M292I, M283I.
Identifiers: ClinVar variation 822513 (VCV000822513.4), dbSNP rs1601433375, ClinGen allele CA410907036.
Genomic context (GRCh38, chr22:23,825,278, plus strand): 5'-GCCTCAGCTGAACATCCATGTGGGAAACATTTCCCTGGTGGACCAGTTTGAGTGGGACAT[G>A]TCAGAGAAGGAGAACTCACCAGAGAAGTTTGCCCTGAAGCTGTGCTCGGAGCTGGGGTTG-3'
Protein context (NP_003064.2, residues 273-293): ISLVDQFEWD[Met283Ile]SEKENSPEKF